The following is an entry in ClinVar:

NM_005219.5(DIAPH1):c.3273+8C>T

Gene: DIAPH1 (diaphanous related formin 1; minus strand). Cytogenetic location: 5q31.3.
Variant type: single nucleotide variant.
Coding change: c.3273+8C>T on transcript NM_005219.5 (MANE Select); 8 bases into the intron after coding-DNA position 3273, C replaced by T.
Molecular consequence: intron variant.
Genome position (GRCh38, 1-based): chr5:141,527,565, G>A on the plus strand (C>T on the coding strand, the complement: DIAPH1 is on the minus strand). VCF-style: chr5-141527565-G-A. GRCh37 (hg19) VCF-style: chr5-140907132-G-A.
Other names: c.3246+8C>T (NM_001079812.3); c.3273+8C>T (NM_001314007.2).
Identifiers: ClinVar variation 2922989 (VCV002922989.3), dbSNP rs772177335, ClinGen allele CA2740094105.

ClinVar aggregate classification (germline): Uncertain significance (1 of 4 stars; one submission).

Conditions:
Progressive microcephaly-seizures-cortical blindness-developmental delay syndrome. Also called: Seizures, cortical blindness, and microcephaly syndrome. Identifiers: Orphanet 477814, MedGen C5567650, MONDO:0014714, OMIM 616632.
Autosomal dominant nonsyndromic hearing loss 1. Also called: DEAFNESS, AUTOSOMAL DOMINANT 1, WITH OR WITHOUT THROMBOCYTOPENIA; KONIGSMARK SYNDROME. Identifiers: Orphanet 90635, MedGen C1852282, MONDO:0007424, OMIM 124900.

Submission:

Labcorp Genetics (formerly Invitae), Labcorp
Classification: Uncertain significance for Progressive microcephaly-seizures-cortical blindness-developmental delay syndrome; Autosomal dominant nonsyndromic hearing loss 1. Last evaluated: 2022-11-14. Review status: criteria provided, single submitter. Criteria: Invitae Variant Classification Sherloc (09022015). Collection method: clinical testing. Allele origin: germline.
Comment: This sequence change falls in intron 24 of the DIAPH1 gene. It does not directly change the encoded amino acid sequence of the DIAPH1 protein. This variant is not present in population databases (gnomAD no frequency). This variant has not been reported in the literature in individuals affected with DIAPH1-related conditions. Algorithms developed to predict the effect of sequence changes on RNA splicing suggest that this variant may disrupt the consensus splice site. In summary, the available evidence is currently insufficient to determine the role of this variant in disease. Therefore, it has been classified as a Variant of Uncertain Significance.